The following is an entry in ClinVar:

ClinVar aggregate classification (germline): Pathogenic/Likely pathogenic. Review status: criteria provided, multiple submitters, no conflicts (2 of 4 stars). 4 submissions from 4 submitters: Pathogenic (3); Likely pathogenic (1). Last evaluated 2025-09-03.

Conditions:
Iodotyrosyl coupling defect (TDH3). Also called: HYPOTHYROIDISM, CONGENITAL, DUE TO DYSHORMONOGENESIS, 3; THYROID HORMONOGENESIS, GENETIC DEFECT IN, 3. Identifiers: Orphanet 95716, MedGen C0342194, MONDO:0010135, OMIM 274700.
Autoimmune thyroid disease, susceptibility to, 3. Identifiers: MedGen C1842444, MONDO:0011982, OMIM 608175.

Allele frequency attached by ClinVar (database versions not stated): gnomAD 0.00001; TOPMed 0.00001; gnomAD exomes 0.00002; ExAC 0.00003.
gnomAD v4.1: 32 of 1,613,916 alleles (0.002%); highest among the groups gnomAD compares: South Asian, 0.0033%; 1 homozygote.

Submissions (4):

GeneDx
Classification: Pathogenic. Last evaluated: 2025-09-03. Review status: criteria provided, single submitter. Criteria: GeneDx Variant Classification Process June 2021. Collection method: clinical testing. Allele origin: germline. Affected: yes.
Comment: Non-canonical splice site variant demonstrated to result in loss of function (PMID: 26813946); This variant is associated with the following publications: (PMID: 28414800, 26813946, 36913313)

Dasa
Classification: Pathogenic. Last evaluated: 2025-07-15. Review status: criteria provided, single submitter. Criteria: DASA Assertion Criteria. Collection method: clinical testing. Allele origin: germline.
Comment: NM_003235.5(TG):c.638+5G>A is a splice-region variant predicted to affect normal RNA splicing. Functional evidence supports a deleterious effect on the gene or gene product (PMID: 26813946; PMID: 27525530). This variant has been recurrently observed in individuals with related phenotype (PMID: 26813946; PMID: 27525530). Segregation evidence has been reported in affected families. Multiple computational predictions support a deleterious effect on the gene or gene product. The variant is present at low frequency in population datasets. Based on the available data, this variant is classified as pathogenic.

Fulgent Genetics
Classification: Likely pathogenic for Iodotyrosyl coupling defect; Autoimmune thyroid disease, susceptibility to, 3. Last evaluated: 2024-02-26. Review status: criteria provided, single submitter. Criteria: ACMG Guidelines, 2015. Collection method: clinical testing. Allele origin: germline.

Pediatric Genetics Division, Center for Pediatrics and Adolescent Medicine, University Medical Center Freiburg
Classification: Pathogenic for Iodotyrosyl coupling defect. Last evaluated: 2013-09-01. Review status: criteria provided, single submitter. Criteria: ACMG Guidelines, 2015. Collection method: research. Allele origin: germline. Inheritance: Autosomal recessive inheritance. Affected: yes and no. Observed: 2 heterozygotes, 2 homozygotes. Segregation with disease observed.

Literature cited by the submitters: PubMed 26813946 (cited by Dasa and Pediatric Genetics Division, Center for Pediatrics and Adolescent Medicine, University Medical Center Freiburg); PubMed 27525530 (cited by Dasa).

NM_003235.5(TG):c.638+5G>A

Gene: TG (thyroglobulin; plus strand). Cytogenetic location: 8q24.22.
Variant type: single nucleotide variant.
Coding change: c.638+5G>A on transcript NM_003235.5 (MANE Select); 5 bases into the intron after coding-DNA position 638, G replaced by A.
Molecular consequence: intron variant.
Genome position (GRCh38, 1-based): chr8:132,873,226, G>A. VCF-style: chr8-132873226-G-A. GRCh37 (hg19) VCF-style: chr8-133885471-G-A.
Identifiers: ClinVar variation 218239 (VCV000218239.10), dbSNP rs774274702, ClinGen allele CA353884.